The following is an entry in ClinVar:

ClinVar aggregate classification (germline): Benign/Likely benign. Review status: criteria provided, multiple submitters, no conflicts (2 of 4 stars). 2 submissions from 2 submitters: Benign (1); Likely benign (1). Last evaluated 2026-07-02.

Conditions:
Sessile serrated polyposis cancer syndrome (SSPCS). Identifiers: Orphanet 157798, MedGen C4310714, MONDO:0014919, OMIM 617108.

Submissions (2):

Myriad Genetics, Inc.
Classification: Benign for Sessile serrated polyposis cancer syndrome. Last evaluated: 2026-07-02. Review status: criteria provided, single submitter. Criteria: Myriad Autosomal Dominant, Autosomal Recessive and X-Linked Classification Criteria (2023). Collection method: clinical testing. Allele origin: unknown.
Comment: This variant is considered benign. This variant is a silent/synonymous amino acid change and it is not expected to impact splicing.

Ambry Genetics
Classification: Likely benign. Last evaluated: 2026-01-25. Review status: criteria provided, single submitter. Criteria: Ambry Variant Classification Scheme 2023. Collection method: clinical testing. Allele origin: germline.

NM_017763.6(RNF43):c.2265G>A (p.Arg755=)

Gene: RNF43 (ring finger protein 43; minus strand). Cytogenetic location: 17q22.
Variant type: single nucleotide variant.
Coding change: c.2265G>A on transcript NM_017763.6 (MANE Select); coding-DNA position 2265, G replaced by A.
Protein change: p.Arg755=; no amino-acid change (arginine 755 retained).
Molecular consequence: synonymous variant.
Genome position (GRCh38, 1-based): chr17:58,357,511, C>T on the plus strand (G>A on the coding strand, the complement: RNF43 is on the minus strand). VCF-style: chr17-58357511-C-T. GRCh37 (hg19) VCF-style: chr17-56434872-C-T.
Other names: c.2265G>A, p.Arg755= (NM_001305544.3, NM_001438820.1, NM_001438821.1 and 1 more transcripts); c.1884G>A, p.Arg628= (NM_001305545.2, NM_001437987.1).
Identifiers: ClinVar variation 4844768 (VCV004844768.2).